The following is an entry in ClinVar:

NM_172107.4(KCNQ2):c.1235A>C (p.Glu412Ala)

Gene: KCNQ2 (potassium voltage-gated channel subfamily Q member 2; minus strand). Cytogenetic location: 20q13.33.
Variant type: single nucleotide variant.
Coding change: c.1235A>C on transcript NM_172107.4 (MANE Select); coding-DNA position 1235, A replaced by C.
Protein change: p.Glu412Ala; replaces glutamic acid 412 with alanine.
Molecular consequence: missense variant.
Genome position (GRCh38, 1-based): chr20:63,424,189, T>G on the plus strand (A>C on the coding strand, the complement: KCNQ2 is on the minus strand). VCF-style: chr20-63424189-T-G. GRCh37 (hg19) VCF-style: chr20-62055542-T-G.
Other names: c.1235A>C, p.Glu412Ala (NM_001382235.1, NM_172106.3, NM_172108.5); c.1205A>C, p.Glu402Ala (NM_004518.6); short protein forms E402A, E412A.
Identifiers: ClinVar variation 3644036 (VCV003644036.2).

ClinVar aggregate classification (germline): Uncertain significance (1 of 4 stars; one submission).

Conditions:
Early-infantile DEE. Also called: Early infantile epileptic encephalopathy; Ohtahara syndrome; Early infantile epileptic encephalopathy with suppression bursts. Identifiers: Orphanet 1934, MedGen C0393706, MONDO:0800491.

Submission:

Labcorp Genetics (formerly Invitae), Labcorp
Classification: Uncertain significance for Early-infantile DEE. Last evaluated: 2024-10-23. Review status: criteria provided, single submitter. Criteria: Invitae Variant Classification Sherloc (09022015). Collection method: clinical testing. Allele origin: germline.
Comment: This sequence change replaces glutamic acid, which is acidic and polar, with alanine, which is neutral and non-polar, at codon 412 of the KCNQ2 protein (p.Glu412Ala). This variant is not present in population databases (gnomAD no frequency). This variant has not been reported in the literature in individuals affected with KCNQ2-related conditions. Invitae Evidence Modeling of protein sequence and biophysical properties (such as structural, functional, and spatial information, amino acid conservation, physicochemical variation, residue mobility, and thermodynamic stability) has been performed for this missense variant. However, the output from this modeling did not meet the statistical confidence thresholds required to predict the impact of this variant on KCNQ2 protein function. In summary, the available evidence is currently insufficient to determine the role of this variant in disease. Therefore, it has been classified as a Variant of Uncertain Significance.